The following is an entry in ClinVar:

NM_003628.6(PKP4):c.1304T>C (p.Leu435Pro)

Gene: PKP4 (plakophilin 4; plus strand). Cytogenetic location: 2q24.1.
Variant type: single nucleotide variant.
Coding change: c.1304T>C on transcript NM_003628.6 (MANE Select); coding-DNA position 1304, T replaced by C.
Protein change: p.Leu435Pro; replaces leucine 435 with proline.
Molecular consequence: missense variant.
Genome position (GRCh38, 1-based): chr2:158,631,903, T>C. VCF-style: chr2-158631903-T-C. GRCh37 (hg19) VCF-style: chr2-159488415-T-C.
Other names: c.1304T>C, p.Leu435Pro (NM_001005476.4, NM_001304969.3, NM_001304971.2 and 6 more transcripts); c.278T>C, p.Leu93Pro (NM_001304970.3); c.1298T>C, p.Leu433Pro (NM_001377222.1, NM_001377223.1, NM_001377224.1); short protein forms L433P, L435P, L93P.
Identifiers: ClinVar variation 3223487 (VCV003223487.1), dbSNP rs201501757, ClinGen allele CA58654547.

ClinVar aggregate classification (germline): Uncertain significance (1 of 4 stars; one submission).

Allele frequency attached by ClinVar (database versions not stated): gnomAD exomes 0.00001; TOPMed 0.00002.
gnomAD v4.1: 16 of 1,614,036 alleles (0.00099%); highest among the groups gnomAD compares: Non-Finnish European, 0.0014%; no homozygotes.

Submission:

Ambry Genetics
Classification: Uncertain significance. Last evaluated: 2023-12-10. Review status: criteria provided, single submitter. Criteria: Ambry Variant Classification Scheme 2023. Collection method: clinical testing. Allele origin: germline.
Comment: The p.L435P variant (also known as c.1304T>C), located in coding exon 7 of the PKP4 gene, results from a T to C substitution at nucleotide position 1304. The leucine at codon 435 is replaced by proline, an amino acid with similar properties. This amino acid position is conserved. In addition, this alteration is predicted to be deleterious by in silico analysis. Since supporting evidence is limited at this time, the clinical significance of this alteration remains unclear.